The following is an entry in ClinVar:

NM_005609.4(PYGM):c.164_168del (p.Ala55fs)

Gene: PYGM (glycogen phosphorylase, muscle associated; minus strand). Cytogenetic location: 11q13.1.
Variant type: Deletion.
Coding change: c.164_168del on transcript NM_005609.4 (MANE Select); coding-DNA positions 164 to 168, 5 bases deleted (CTCTG; older notation c.164_168delCTCTG).
Protein change: p.Ala55fs; shifts the reading frame from alanine 55.
Molecular consequence: frameshift variant.
Genome position (GRCh38, 1-based): chr11:64,759,731-64,759,735, CAGAG deleted on the plus strand (CTCTG on the coding strand, the reverse complement: PYGM is on the minus strand); deleting any 5 consecutive bases within chr11:64,759,731-64,759,737 gives the same sequence; the c. name uses the placement nearest the transcript's 3' end. VCF-style (leftmost placement, unchanged base first): chr11-64759730-CCAGAG-C. GRCh37 (hg19) VCF-style: chr11-64527202-CCAGAG-C.
Other names: c.164_168del, p.Ala55fs (NM_001164716.1); c.164_168delCTCTG (NM_005609.3); short protein forms A55fs.
Identifiers: ClinVar variation 945649 (VCV000945649.22), dbSNP rs780193588, ClinGen allele CA6080355.

ClinVar aggregate classification (germline): Pathogenic. Review status: criteria provided, multiple submitters, no conflicts (2 of 4 stars). 5 submissions from 5 submitters: Pathogenic (4). 1 of the submissions does not count toward it. Last evaluated 2025-11-10.

Conditions:
Glycogen storage disease, type V (GSD5). Also called: McArdle type glycogen storage disease; MUSCLE GLYCOGEN PHOSPHORYLASE DEFICIENCY; MYOPHOSPHORYLASE DEFICIENCY; PYGM DEFICIENCY; MCARDLE DISEASE. Identifiers: Orphanet 368, MedGen C0017924, MONDO:0009293, OMIM 232600.
Tip-toe gait. Also called: Toe walking. Identifiers: MedGen C0427144, HP:0030051.

Submissions (5):

Natera, Inc.
Classification: Pathogenic for Glycogen storage disease V. Last evaluated: 2025-11-10. Review status: criteria provided, single submitter. Criteria: Natera Variant Classification Schema (03/2026). Collection method: clinical testing. Allele origin: germline.
Comment: The c.164_168delCTCTG variant in PYGM is a frameshift variant predicted to shift the reading frame beginning at codon 55 and leads to a stop codon 21 codons downstream. This variant is expected to result in nonsense mediated decay, truncation, or a dysfunctional protein product. This variant is rare in the general population with a frequency below the threshold expected for the associated phenotype(s). This variant has been observed in one or more individuals affected with the associated recessive disease, as either homozygous or compound heterozygous with a second variant (PMID: 22250184, 35174518). Given the available evidence, this variant is classified as Pathogenic.

Laboratorio de Genetica e Diagnostico Molecular, Hospital Israelita Albert Einstein
Classification: Pathogenic for Glycogen storage disease, type V. Last evaluated: 2025-03-24. Review status: criteria provided, single submitter. Criteria: ACMG Guidelines, 2015. Collection method: clinical testing. Allele origin: germline. Affected: yes.
Comment: ACMG classification criteria: PVS1 very strong, PM2 supporting, PM3 moderate

Fulgent Genetics
Classification: Pathogenic for Glycogen storage disease, type V. Last evaluated: 2024-06-11. Review status: criteria provided, single submitter. Criteria: ACMG Guidelines, 2015. Collection method: clinical testing. Allele origin: germline.

Labcorp Genetics (formerly Invitae), Labcorp
Classification: Pathogenic for Glycogen storage disease, type V. Last evaluated: 2024-03-09. Review status: criteria provided, single submitter. Criteria: Invitae Variant Classification Sherloc (09022015). Collection method: clinical testing. Allele origin: germline.
Comment: This sequence change creates a premature translational stop signal (p.Ala55Glyfs*21) in the PYGM gene. It is expected to result in an absent or disrupted protein product. Loss-of-function variants in PYGM are known to be pathogenic (PMID: 8316268, 16786513). This variant is not present in population databases (gnomAD no frequency). This premature translational stop signal has been observed in individuals with McArdle disease (PMID: 29143597). This variant is also known as c.163_167delGCTCT. ClinVar contains an entry for this variant (Variation ID: 945649). For these reasons, this variant has been classified as Pathogenic.

Practice for Gait Abnormalities, David Pomarino, Competency Network Toe Walking C/o Practice Pomarino
Classification: Likely pathogenic for Tip-toe gait. Last evaluated: 2022-12-14. Review status: flagged submission. Collection method: clinical testing. Allele origin: germline. Affected: yes. Not counted in ClinVar's aggregate classification.
Comment: Toe Walking has various causes, ranging from idiopathic or habitual reasons to an underlying neuromuscular disease. The most observed form of toe walking is idiopathic toe walking (ITW) - a diagnosis of exclusion. ITW occurs in about 5% of children after their second birthday and is a common problem in pediatric orthopedics. In about 70% of these cases, there is spontaneous remission within six months of the onset of ITW. If the toe walk persists, one can assume the presence of a non-idiopathic form of toe walk (n-ITW). In n-ITW, the causes of the abnormal gait are neurological or myogenic. Differential diagnoses such as infantile cerebral palsy, muscular dystrophy, spinal amyotrophy and hereditary motor-sensory neuropathy as well as rare metabolic disorders of the musculature must be considered (Pomarino et al., 2018). In our clinical ITW consultation, we screen children with n-ITW for a genetic form of tiptoe gait using next generation sequencing for gene variants in 49 genes. These are genes in which gene variants can lead to neuromuscular diseases in which an association with toe-tapping gait has been reported or can be suspected due to patients’ clinical symptoms. To the best of our knowledge, this is the first study in which several patients with toe walking displayed heterozygosity for pathogenic or likely pathogenic PYGM mutations and mild symptoms of the metabolic muscle disease McArdle. The findings of our research are in line with recently published observations in heterozygous family members patients with McArdle disease. We should mention that some of the patients in our cohort harbored heterozygous variants in other genes of our gene panel. However, the numbers in this study were too small to workout any resulting combined genetic effects. It is concluded that genetic conditions can contribute to the development of toe walking. Apparently, even a slight genetic weakening of the muscles can lead to changes to the gait pattern. Future studies must show how the pathomechanism can be explained for the PYGM variants and whether there are new therapeutic approaches to be developed based on this research.
ClinVar note: Notes: This gene has insufficient supporting evidence for isolated Tip-Toe Gait.
ClinVar note: Reason: Claim with insufficient supporting evidence

Literature cited by the submitters: PubMed 22250184 (cited by Natera, Inc.); PubMed 35174518 (cited by Natera, Inc.); PubMed 8316268 (cited by Labcorp Genetics (formerly Invitae), Labcorp); PubMed 16786513 (cited by Labcorp Genetics (formerly Invitae), Labcorp); PubMed 29143597 (cited by Labcorp Genetics (formerly Invitae), Labcorp); PubMed 29881221 (cited by Practice for Gait Abnormalities, David Pomarino, Competency Network Toe Walking C/o Practice Pomarino); DOI 10.1016/j.rchot.2016.09.001 (cited by Practice for Gait Abnormalities, David Pomarino, Competency Network Toe Walking C/o Practice Pomarino); DOI 10.51793/OS.2022.25.6.010 (cited by Practice for Gait Abnormalities, David Pomarino, Competency Network Toe Walking C/o Practice Pomarino).